The following is an entry in ClinVar:

ClinVar aggregate classification (germline): Uncertain significance. Review status: criteria provided, single submitter (1 of 4 stars). 2 submissions from 2 submitters: Uncertain significance (1). 1 of the submissions does not count toward it. Last evaluated 2024-10-24.

Conditions:
Galactosemia. Also called: Galactose intolerance. Identifiers: Orphanet 352, MedGen C0016952, MONDO:0018116, HP:0004919. Disease mechanism: loss of function.
Deficiency of UDPglucose-hexose-1-phosphate uridylyltransferase. Also called: GALACTOSE-1-PHOSPHATE URIDYLYLTRANSFERASE DEFICIENCY; GALT deficiency; Galactosemia, classic; GALACTOSEMIA I; Transferase Deficiency Galactosemia. Identifiers: Orphanet 352, Orphanet 79239, MedGen C0268151, MONDO:0009258, OMIM 230400.

Submissions (2):

Labcorp Genetics (formerly Invitae), Labcorp
Classification: Uncertain significance for Deficiency of UDPglucose-hexose-1-phosphate uridylyltransferase. Last evaluated: 2024-10-24. Review status: criteria provided, single submitter. Criteria: Invitae Variant Classification Sherloc (09022015). Collection method: clinical testing. Allele origin: germline.
Comment: This sequence change replaces alanine, which is neutral and non-polar, with serine, which is neutral and polar, at codon 311 of the GALT protein (p.Ala311Ser). This variant is not present in population databases (gnomAD no frequency). This variant has not been reported in the literature in individuals affected with GALT-related conditions. ClinVar contains an entry for this variant (Variation ID: 1720412). Invitae Evidence Modeling of protein sequence and biophysical properties (such as structural, functional, and spatial information, amino acid conservation, physicochemical variation, residue mobility, and thermodynamic stability) indicates that this missense variant is expected to disrupt GALT protein function with a positive predictive value of 80%. In summary, the available evidence is currently insufficient to determine the role of this variant in disease. Therefore, it has been classified as a Variant of Uncertain Significance.

Natera, Inc.
Classification: Uncertain significance for Galactosemia. Last evaluated: 2025-01-22. Review status: no assertion criteria provided. Collection method: clinical testing. Allele origin: germline. Not counted in ClinVar's aggregate classification.

NM_000155.4(GALT):c.931G>T (p.Ala311Ser)

Gene: GALT (galactose-1-phosphate uridylyltransferase; plus strand). Cytogenetic location: 9p13.3.
Variant type: single nucleotide variant.
Coding change: c.931G>T on transcript NM_000155.4 (MANE Select); coding-DNA position 931, G replaced by T.
Protein change: p.Ala311Ser; replaces alanine 311 with serine.
Molecular consequence: missense variant.
Genome position (GRCh38, 1-based): chr9:34,649,436, G>T. VCF-style: chr9-34649436-G-T. GRCh37 (hg19) VCF-style: chr9-34649433-G-T.
Other names: c.604G>T, p.Ala202Ser (NM_001258332.2); c.931G>T (NM_000155.3); short protein forms A202S, A311S.
Identifiers: ClinVar variation 1720412 (VCV001720412.7), dbSNP rs779020361, ClinGen allele CA373284751.
Genomic context (GRCh38, chr9:34,649,436, plus strand): 5'-TCTCTCTCCCCACTGTCTCTCTTCTTTCTGTCAGGGGCTCCCACAGGATCAGAGGCTGGG[G>T]CCAACTGGAACCATTGGCAGCTGCACGCTCATTACTACCCTCCGCTCCTGCGCTCTGCCA-3'
Protein context (NP_000146.2, residues 301-321): HGAPTGSEAG[Ala311Ser]NWNHWQLHAH